The following is an entry in ClinVar:

ClinVar aggregate classification (germline): Pathogenic/Likely pathogenic. Review status: criteria provided, multiple submitters, no conflicts (2 of 4 stars). 7 submissions from 7 submitters: Pathogenic (3); Likely pathogenic (3). 1 of the submissions does not count toward it. Last evaluated 2026-01-23.

Conditions:
Argininosuccinate lyase deficiency. Also called: Argininosuccinic aciduria; ARGININOSUCCINIC ACID LYASE DEFICIENCY; ASL DEFICIENCY. Identifiers: Orphanet 23, MedGen C0268547, MONDO:0008815, OMIM 207900, HP:0025630.

Allele frequency attached by ClinVar (database versions not stated): TOPMed 0.00003; gnomAD exomes 0.00008; 1000 Genomes Project 30x 0.00016; gnomAD 0.00022.

Submissions (7):

Natera, Inc.
Classification: Likely pathogenic for Argininosuccinate lyase deficiency. Last evaluated: 2026-01-23. Review status: criteria provided, single submitter. Criteria: Natera Variant Classification Schema (03/2026). Collection method: clinical testing. Allele origin: germline.
Comment: The c.299T>C variant in ASL is a missense variant predicted to cause substitution of isoleucine to threonine at amino acid 100. This variant is rare in the general population with a frequency below the threshold expected for the associated phenotype(s). This variant has been observed in one or more individuals affected with the associated recessive disease, as either homozygous or compound heterozygous with a second variant (PMID: 32447331, 24166829). Computational prediction algorithms indicate this variant is likely to affect gene or protein function. Given the available evidence, this variant is classified as Likely Pathogenic.

Labcorp Genetics (formerly Invitae), Labcorp
Classification: Pathogenic for Argininosuccinate lyase deficiency. Last evaluated: 2026-01-14. Review status: criteria provided, single submitter. Criteria: Invitae Variant Classification Sherloc (09022015). Collection method: clinical testing. Allele origin: germline.
Comment: This sequence change replaces isoleucine, which is neutral and non-polar, with threonine, which is neutral and polar, at codon 100 of the ASL protein (p.Ile100Thr). This variant is present in population databases (rs202142867, gnomAD 0.1%). This missense change has been observed in individuals with argininosuccinate lyase deficiency (PMID: 12384776, 18616627, 22231378). It is commonly reported in individuals of Finnish ancestry (PMID: 22231378). ClinVar contains an entry for this variant (Variation ID: 495379). Invitae Evidence Modeling of protein sequence and biophysical properties (such as structural, functional, and spatial information, amino acid conservation, physicochemical variation, residue mobility, and thermodynamic stability) indicates that this missense variant is expected to disrupt ASL protein function with a positive predictive value of 95%. Experimental studies are conflicting or provide insufficient evidence to determine the effect of this variant on ASL function (PMID: 21667091, 25778938, 31943503). For these reasons, this variant has been classified as Pathogenic.

Genetics and Genomic Medicine Centre, NeuroGen Healthcare, NeuroGen Healthcare
Classification: Pathogenic for Argininosuccinate lyase deficiency. Last evaluated: 2025-07-15. Review status: criteria provided, single submitter. Criteria: ACMG Guidelines, 2015. Collection method: clinical testing. Allele origin: unknown. Affected: yes.

GeneDx
Classification: Likely pathogenic. Last evaluated: 2024-06-05. Review status: criteria provided, single submitter. Criteria: GeneDx Variant Classification Process June 2021. Collection method: clinical testing. Allele origin: germline. Affected: yes.
Comment: Not observed at significant frequency in large population cohorts (gnomAD); In silico analysis supports that this missense variant has a deleterious effect on protein structure/function; This variant is associated with the following publications: (PMID: 21667091, 22231378, 31943503, 12384776, 25778938, 24166829, 35314707, 18616627)

Fulgent Genetics
Classification: Likely pathogenic for Argininosuccinate lyase deficiency. Last evaluated: 2024-05-17. Review status: criteria provided, single submitter. Criteria: ACMG Guidelines, 2015. Collection method: clinical testing. Allele origin: germline.

Women's Health and Genetics/Laboratory Corporation of America, LabCorp
Classification: Pathogenic for Argininosuccinate lyase deficiency. Last evaluated: 2016-09-09. Review status: criteria provided, single submitter. Criteria: LabCorp Variant Classification Summary - May 2015. Collection method: clinical testing. Allele origin: germline.
Comment: Variant summary: The c.299T>C (p.Ile100Thr) in ASL gene is a missense change that alters a highly conserved nucleotide and 4/5 in silico tools predict deleterious outcome. The variant was observed in the large and broad cohorts of the ExAC project at an allele frequency of 0.00014 (17/118940 chrs tested). This frequency does not exceed the maximal expected allele frequency for a pathogenic variant in ASL gene (0.004). The results of functional studies are contradictious, depending on the expression system and ranging from ~90% of residual enzymatic activity in HEK293T to no detectable activity in bacterial cells. Since there is no information from the most reliable functional assay, such as citrulline incorporation was published at the time of evaluation, the results from the other functional assays mentioned above should be taken with caution. The variant was found homozygously or in compound heterozygosity in multiple affected individuals with established diagnosis of ASLD. Taken together, the variant was classified as Pathogenic.

Counsyl
Classification: Likely pathogenic for Argininosuccinate lyase deficiency. Last evaluated: 2017-02-13. Review status: no assertion criteria provided. Collection method: clinical testing. Allele origin: unknown. Not counted in ClinVar's aggregate classification.

Literature cited by the submitters: PubMed 32447331 (cited by Natera, Inc.); PubMed 24166829 (cited by 3 submitters); PubMed 12384776 (cited by 3 submitters); PubMed 18616627 (cited by 3 submitters); PubMed 22231378 (cited by Labcorp Genetics (formerly Invitae), Labcorp and Women's Health and Genetics/Laboratory Corporation of America, LabCorp); PubMed 21667091 (cited by 3 submitters); PubMed 25778938 (cited by 3 submitters); PubMed 31943503 (cited by Labcorp Genetics (formerly Invitae), Labcorp).

NM_000048.4(ASL):c.299T>C (p.Ile100Thr)

Gene: ASL (argininosuccinate lyase; plus strand). Cytogenetic location: 7q11.21.
Variant type: single nucleotide variant.
Coding change: c.299T>C on transcript NM_000048.4 (MANE Select); coding-DNA position 299, T replaced by C.
Protein change: p.Ile100Thr; replaces isoleucine 100 with threonine.
Molecular consequence: missense variant.
Genome position (GRCh38, 1-based): chr7:66,082,887, T>C. VCF-style: chr7-66082887-T-C. GRCh37 (hg19) VCF-style: chr7-65547874-T-C.
Other names: c.299T>C, p.Ile100Thr (NM_001024943.2, NM_001024944.2, NM_001024946.2); short protein forms I100T.
Identifiers: ClinVar variation 495379 (VCV000495379.21), dbSNP rs202142867, ClinGen allele CA4276893.